The following is an entry in ClinVar:

ClinVar aggregate classification (germline): Likely benign (1 of 4 stars; one submission).

Allele frequency attached by ClinVar (database versions not stated): gnomAD exomes 0.00015; gnomAD 0.00016; ExAC 0.00020; TOPMed 0.00022; ESP Exome Variant Server 0.00028.

Submission:

CeGaT Center for Human Genetics Tuebingen
Classification: Likely benign. Last evaluated: 2023-03-01. Review status: criteria provided, single submitter. Criteria: CeGaT Center For Human Genetics Tuebingen Variant Classification Criteria Version 2. Collection method: clinical testing. Allele origin: germline. Affected: yes. Observed: 1 variant allele.
Comment: NKRF: BP4, BS2

NM_001417890.1(NKRF):c.397-4A>G

Gene: NKRF (NFKB repressing factor; minus strand). Cytogenetic location: Xq24.
Variant type: single nucleotide variant.
Coding change: c.397-4A>G on transcript NM_001417890.1 (MANE Select); 4 bases into the intron before coding-DNA position 397, A replaced by G.
Molecular consequence: intron variant.
Genome position (GRCh38, 1-based): chrX:119,591,313, T>C on the plus strand (A>G on the coding strand, the complement: NKRF is on the minus strand). VCF-style: chrX-119591313-T-C. GRCh37 (hg19) VCF-style: chrX-118725276-T-C.
Identifiers: ClinVar variation 2661293 (VCV002661293.24), dbSNP rs376333657, ClinGen allele CA10502536.